The following is an entry in ClinVar:

ClinVar aggregate classification (germline): Uncertain significance. Review status: criteria provided, multiple submitters, no conflicts (2 of 4 stars). 2 submissions from 2 submitters: Uncertain significance (2). Last evaluated 2026-06-24.

Conditions:
Inborn genetic diseases. Identifiers: MedGen C0950123, MeSH D030342.

Submissions (2):

Ambry Genetics
Classification: Uncertain significance for Inborn genetic diseases. Last evaluated: 2026-06-24. Review status: criteria provided, single submitter. Criteria: Ambry Variant Classification Scheme 2023. Collection method: clinical testing. Allele origin: germline.

GeneDx
Classification: Uncertain significance. Last evaluated: 2023-01-11. Review status: criteria provided, single submitter. Criteria: GeneDx Variant Classification Process June 2021. Collection method: clinical testing. Allele origin: germline. Affected: yes.
Comment: Not observed at significant frequency in large population cohorts (gnomAD); In silico analysis supports that this missense variant has a deleterious effect on protein structure/function; Has not been previously published as pathogenic or benign to our knowledge

NM_005654.6(NR2F1):c.807G>A (p.Met269Ile)

Gene: NR2F1 (nuclear receptor subfamily 2 group F member 1; plus strand). Cytogenetic location: 5q15.
Variant type: single nucleotide variant.
Coding change: c.807G>A on transcript NM_005654.6 (MANE Select); coding-DNA position 807, G replaced by A.
Protein change: p.Met269Ile; replaces methionine 269 with isoleucine.
Molecular consequence: missense variant.
Genome position (GRCh38, 1-based): chr5:93,588,260, G>A. VCF-style: chr5-93588260-G-A. GRCh37 (hg19) VCF-style: chr5-92923966-G-A.
Other names: c.357G>A, p.Met119Ile (NM_001410754.1); short protein forms M119I, M269I.
Identifiers: ClinVar variation 2572794 (VCV002572794.2), dbSNP rs2480808996, ClinGen allele CA360527131.